The following continues an entry in ClinVar:

NM_000138.5(FBN1):c.3509G>A (p.Arg1170His)

Gene: FBN1. ClinVar aggregate classification (germline): Benign. Benign (1).

Submissions 13 to 28 of 37:

Women's Health and Genetics/Laboratory Corporation of America, LabCorp
Classification: Likely benign. Last evaluated: 2021-07-27. Review status: criteria provided, single submitter. Criteria: LabCorp Variant Classification Summary - May 2015. Collection method: clinical testing. Allele origin: germline. Not counted in ClinVar's aggregate classification.
Comment: Variant summary: FBN1 c.3509G>A (p.Arg1170His) results in a non-conservative amino acid change located in one of the EGF-like calcium-binding domains (IPR001881) of the encoded protein sequence. Three of five in-silico tools predict a benign effect of the variant on protein function. The variant allele was found at a frequency of 0.0014 in 396164 control chromosomes in the gnomAD database (version 2.1 and 3.1 datasets), including 1 homozygote. The observed variant frequency is approximately 12-fold of the estimated maximal expected allele frequency for a pathogenic variant in FBN1 causing Marfan Syndrome phenotype (0.00011), strongly suggesting that the variant is benign. c.3509G>A has been reported in the literature in cohorts of individuals affected with Marfan Syndrome or Marfan-like syndrome (e.g. Hayward_1994, Montgomery_1998, Comeglio_2007, Robinson_2011, Howarth_2007, Waldmuller_2007, Volk_2014, Franken_2016), however, in some of these studies an incomplete Marfan phenotype was noted, or no exact phenotype information was provided. In a recent case-control study the variant was found in 11 cases of imaging supported nonsyndromic aortopathy and/or mitral valve disease, and in 14 carriers without cardiovascular disease, whereas only 12/101 (12%) of controls without pathogenic FBN1 variants (with sufficient imaging), had evidence of mitral valve or aortic disease in this study (Damrauer_2019). Co-occurrences with other pathogenic variants have been reported (FBN1 c.4913delA, p.Tyr1638fsX2 and FBN1 c.1633C>T, p.Arg545Cys, in internal LCA samples), providing supporting evidence for a benign role. Two publications reported that the variant had no effect on splicing examining blood RNA samples (Robinson_2011, Wai_2020), however these data do not allow any conclusion for the protein level effect of the variant. 15 other submitters have provided clinical-significance assessments for this variant in ClinVar after 2014 mostly without evidence for independent evaluation, and classified the variant as VUS (n=5), or likely benign (n=10). Based on the evidence outlined above, though the variant could be associated with an increased risk for nonsyndromic aortopathy and/or mitral valve disease, it was classified for the Marfan Syndrome phenotype as likely benign.

Mendelics
Classification: Likely benign for Marfan syndrome. Last evaluated: 2019-05-28. Review status: criteria provided, single submitter. Criteria: Mendelics Assertion Criteria 2017. Collection method: clinical testing. Allele origin: unknown. Not counted in ClinVar's aggregate classification.

Genomic Research Center, Shahid Beheshti University of Medical Sciences
Classification: Uncertain significance. Last evaluated: 2019-01-01. Review status: criteria provided, single submitter. Criteria: ACMG Guidelines, 2015. Collection method: clinical testing. Allele origin: unknown. Affected: yes. Observed: 1 variant allele. Not counted in ClinVar's aggregate classification.

Color Diagnostics, LLC DBA Color Health
Classification: Likely benign for Familial thoracic aortic aneurysm and aortic dissection. Last evaluated: 2018-03-16. Review status: criteria provided, single submitter. Criteria: ACMG Guidelines, 2015. Collection method: clinical testing. Allele origin: germline. Not counted in ClinVar's aggregate classification.

Baylor Genetics
Classification: Uncertain significance for Marfan syndrome. Last evaluated: 2017-12-31. Review status: criteria provided, single submitter. Criteria: ACMG Guidelines, 2015. Collection method: clinical testing. Allele origin: germline. Affected: yes. Not counted in ClinVar's aggregate classification.
Comment: Reclassification of existing record

GeneDx
Classification: Likely benign. Last evaluated: 2017-12-21. Review status: criteria provided, single submitter. Criteria: GeneDx Variant Classification (06012015). Collection method: clinical testing. Allele origin: germline. Affected: yes. Not counted in ClinVar's aggregate classification.
Comment: This variant is considered likely benign or benign based on one or more of the following criteria: it is a conservative change, it occurs at a poorly conserved position in the protein, it is predicted to be benign by multiple in silico algorithms, and/or has population frequency not consistent with disease.

Illumina Laboratory Services, Illumina
Classification: Likely benign for Geleophysic dysplasia. Last evaluated: 2017-04-27. Review status: criteria provided, single submitter. Criteria: ICSL Variant Classification Criteria 13 December 2019. Collection method: clinical testing. Allele origin: germline. Not counted in ClinVar's aggregate classification.
Comment: This variant was observed as part of a predisposition screen in an ostensibly healthy population. A literature search was performed for the gene, cDNA change, and amino acid change (where applicable). No publications were found based on this search. Allele frequency data from public databases allowed determination this variant is unlikely to cause disease. Therefore, this variant is classified as likely benign.

Illumina Laboratory Services, Illumina
Classification: Likely benign for Ectopia lentis 1, isolated, autosomal dominant. Last evaluated: 2017-04-27. Review status: criteria provided, single submitter. Criteria: ICSL Variant Classification Criteria 13 December 2019. Collection method: clinical testing. Allele origin: germline. Not counted in ClinVar's aggregate classification.
Comment: the same text as in the submission from Illumina Laboratory Services, Illumina above.

Illumina Laboratory Services, Illumina
Classification: Likely benign for Familial thoracic aortic aneurysm and aortic dissection. Last evaluated: 2017-04-27. Review status: criteria provided, single submitter. Criteria: ICSL Variant Classification Criteria 13 December 2019. Collection method: clinical testing. Allele origin: germline. Not counted in ClinVar's aggregate classification.
Comment: the same text as in the submission from Illumina Laboratory Services, Illumina above.

Illumina Laboratory Services, Illumina
Classification: Likely benign for Stiff skin syndrome. Last evaluated: 2017-04-27. Review status: criteria provided, single submitter. Criteria: ICSL Variant Classification Criteria 13 December 2019. Collection method: clinical testing. Allele origin: germline. Not counted in ClinVar's aggregate classification.
Comment: the same text as in the submission from Illumina Laboratory Services, Illumina above.

Illumina Laboratory Services, Illumina
Classification: Likely benign for Marfan syndrome. Last evaluated: 2017-04-27. Review status: criteria provided, single submitter. Criteria: ICSL Variant Classification Criteria 13 December 2019. Collection method: clinical testing. Allele origin: germline. Not counted in ClinVar's aggregate classification.
Comment: the same text as in the submission from Illumina Laboratory Services, Illumina above.

Illumina Laboratory Services, Illumina
Classification: Likely benign for Weill-Marchesani syndrome. Last evaluated: 2017-04-27. Review status: criteria provided, single submitter. Criteria: ICSL Variant Classification Criteria 13 December 2019. Collection method: clinical testing. Allele origin: germline. Not counted in ClinVar's aggregate classification.
Comment: the same text as in the submission from Illumina Laboratory Services, Illumina above.

Illumina Laboratory Services, Illumina
Classification: Likely benign for Acromicric dysplasia. Last evaluated: 2017-04-27. Review status: criteria provided, single submitter. Criteria: ICSL Variant Classification Criteria 13 December 2019. Collection method: clinical testing. Allele origin: germline. Not counted in ClinVar's aggregate classification.
Comment: the same text as in the submission from Illumina Laboratory Services, Illumina above.

Eurofins Ntd Llc (ga)
Classification: Uncertain significance. Last evaluated: 2016-06-06. Review status: criteria provided, single submitter. Criteria: EGL Classification Definitions 2015. Collection method: clinical testing. Allele origin: germline. Observed: 5 variant alleles, 5 heterozygotes. Not counted in ClinVar's aggregate classification.

Genomic Diagnostic Laboratory, Division of Genomic Diagnostics, Children's Hospital of Philadelphia
Classification: Uncertain significance for Marfan's syndrome. Last evaluated: 2015-07-10. Review status: criteria provided, single submitter. Criteria: DGD Variant Analysis Guidelines. Collection method: clinical testing. Allele origin: unknown. Not counted in ClinVar's aggregate classification.

Laboratory for Molecular Medicine, Mass General Brigham Personalized Medicine
Classification: Likely benign. Last evaluated: 2015-03-24. Review status: criteria provided, single submitter. Criteria: LMM Criteria. Collection method: clinical testing. Allele origin: germline. Observed: 9 variant alleles. Not counted in ClinVar's aggregate classification.
Comment: p.Arg1170His in exon 28 of FBN1: This variant is not expected to have clinical s ignificance because it has been identified in 0.2% (124/66684) of European chrom osomes by the Exome Aggregation Consortium (ExAC ; dbSNP rs137854475). Arginine (Arg) at position 1170 is not conserved in evolut ionarily distant species and at least 10 birds, reptiles, and fish carry a histi dine (His) at this position, supporting that this change may be tolerated. This variant has been identified by our laboratory in 6 individuals with features of Marfan syndrome; however, two of these individuals were compound heterozygotes f or a pathogenic variant sufficient to explain their disease. Although this varia nt has been reported in individuals with features of Marfan syndrome in the lite rature, this variant is likely benign based on its frequency in the general popu lation, lack of conservation, and the presence of other variants to explain dise ase in multiple individuals.